The following is an entry in ClinVar:

NM_001267550.2(TTN):c.106562C>G (p.Ser35521Cys)

Genes: TTN (titin; minus strand), TTN-AS1 (TTN antisense RNA 1; plus strand). Cytogenetic location: 2q31.2.
Variant type: single nucleotide variant.
Coding change: c.106562C>G on transcript NM_001267550.2 (MANE Select); coding-DNA position 106562, C replaced by G.
Protein change: p.Ser35521Cys; replaces serine 35521 with cysteine.
Molecular consequence: missense variant.
Genome position (GRCh38, 1-based): chr2:178,529,189, G>C on the plus strand (C>G on the coding strand, the complement: TTN is on the minus strand). VCF-style: chr2-178529189-G-C. GRCh37 (hg19) VCF-style: chr2-179393916-G-C.
Other names: c.101639C>G, p.Ser33880Cys (NM_001256850.1); c.79367C>G, p.Ser26456Cys (NM_003319.4); c.98858C>G, p.Ser32953Cys (NM_133378.4); c.79742C>G, p.Ser26581Cys (NM_133432.3); c.79943C>G, p.Ser26648Cys (NM_133437.4); short protein forms S26456C, S26581C, S26648C, S32953C, S33880C, S35521C.
Identifiers: ClinVar variation 3897411 (VCV003897411.1).

ClinVar aggregate classification (germline): Uncertain significance (1 of 4 stars; one submission).

gnomAD v4.1: 1 of 1,512,314 alleles (0.000066%); highest among the groups gnomAD compares: Admixed American, 0.0024%; no homozygotes.

Submission:

GeneDx
Classification: Uncertain significance. Last evaluated: 2024-11-04. Review status: criteria provided, single submitter. Criteria: GeneDx Variant Classification Process June 2021. Collection method: clinical testing. Allele origin: germline. Affected: yes.
Comment: Not observed at significant frequency in large population cohorts (gnomAD); Missense variant in a gene in which most reported pathogenic variants are truncating/loss of function; Has not been previously published as pathogenic or benign to our knowledge